The following is an entry in ClinVar:

ClinVar aggregate classification (germline): Uncertain significance (1 of 4 stars; one submission).

Submission:

Labcorp Genetics (formerly Invitae), Labcorp
Classification: Uncertain significance. Last evaluated: 2024-03-25. Review status: criteria provided, single submitter. Criteria: Invitae Variant Classification Sherloc (09022015). Collection method: clinical testing. Allele origin: germline.
Comment: This variant, c.1272_1280del, results in the deletion of 3 amino acid(s) of the COL9A2 protein (p.Val425_Gly427del), but otherwise preserves the integrity of the reading frame. This variant is not present in population databases (gnomAD no frequency). This variant has not been reported in the literature in individuals affected with COL9A2-related conditions. Experimental studies and prediction algorithms are not available or were not evaluated, and the functional significance of this variant is currently unknown. In summary, the available evidence is currently insufficient to determine the role of this variant in disease. Therefore, it has been classified as a Variant of Uncertain Significance.

NM_001852.4(COL9A2):c.1272_1280del (p.Val425_Gly427del)

Gene: COL9A2 (collagen type IX alpha 2 chain; minus strand). Cytogenetic location: 1p34.2.
Variant type: Deletion.
Coding change: c.1272_1280del on transcript NM_001852.4 (MANE Select); coding-DNA positions 1272 to 1280, 9 bases deleted (CGTCAAAGG; older notation c.1272_1280delCGTCAAAGG).
Protein change: p.Val425_Gly427del.
Genome position (GRCh38, 1-based): chr1:40,304,327-40,304,335, CCTTTGACG deleted on the plus strand (CGTCAAAGG on the coding strand, the reverse complement: COL9A2 is on the minus strand); deleting any 9 consecutive bases within chr1:40,304,327-40,304,338 gives the same sequence; the c. name uses the placement nearest the transcript's 3' end. VCF-style (leftmost placement, unchanged base first): chr1-40304326-TCCTTTGACG-T. GRCh37 (hg19) VCF-style: chr1-40769998-TCCTTTGACG-T.
Identifiers: ClinVar variation 3647601 (VCV003647601.2).